The following is an entry in ClinVar:

NM_000059.4(BRCA2):c.7177dup (p.Met2393fs)

Gene: BRCA2 (BRCA2 DNA repair associated; plus strand). Cytogenetic location: 13q13.1.
Variant type: Duplication.
Coding change: c.7177dup on transcript NM_000059.4 (MANE Select); coding-DNA position 7177, one base duplicated (A; older notation c.7177dupA).
Protein change: p.Met2393fs; shifts the reading frame from methionine 2393.
Molecular consequence: frameshift variant.
Genome position (GRCh38, 1-based): chr13:32,355,030, A duplicated; the last of 6 consecutive A bases (chr13:32,355,025-32,355,030); duplicating any one gives the same sequence. VCF-style (leftmost placement, unchanged base first): chr13-32355024-G-GA. GRCh37 (hg19) VCF-style: chr13-32929161-G-GA.
Other names: 7405insA; c.7177dupA (NM_000059.3); short protein forms M2393fs.
Identifiers: ClinVar variation 52278 (VCV000052278.29), dbSNP rs397507899, ClinGen allele CA024922.

ClinVar aggregate classification (germline): Pathogenic. Review status: reviewed by expert panel (3 of 4 stars). 9 submissions from 9 submitters: Pathogenic (1). 8 of the submissions do not count toward it. Last evaluated 2016-10-18.

Conditions:
Hereditary cancer-predisposing syndrome. Also called: Neoplastic Syndromes, Hereditary; Hereditary neoplastic syndrome; Hereditary Cancer Syndrome; Tumor predisposition. Identifiers: Orphanet 140162, MedGen C0027672, MeSH D009386, MONDO:0015356.
Hereditary breast ovarian cancer syndrome. Also called: Breast and ovarian cancer; BRCA1- and BRCA2-Associated Hereditary Breast and Ovarian Cancer; Hereditary breast and ovarian cancer syndrome (HBOC); Hereditary breast and/or ovarian cancer syndrome; Hereditary breast and ovarian cancer; Hereditary breast and ovarian cancer syndrome. Identifiers: Orphanet 145, MedGen C0677776, MeSH D061325, MONDO:0003582. Disease mechanism: loss of function.
Breast-ovarian cancer, familial, susceptibility to, 2 (BROVCA2). Also called: BRCA2 Hereditary Breast and Ovarian Cancer. Identifiers: Orphanet 145, MedGen C2675520, MONDO:0012933, OMIM 612555. Disease mechanism: loss of function.

Submissions (9):

Evidence-based Network for the Interpretation of Germline Mutant Alleles (ENIGMA)
Classification: Pathogenic for Breast-ovarian cancer, familial, susceptibility to, 2. Last evaluated: 2016-10-18. Review status: reviewed by expert panel. Criteria: ENIGMA BRCA1/2 Classification Criteria (2015). Collection method: curation. Allele origin: germline.
Comment: Variant allele predicted to encode a truncated non-functional protein.

Dasa
Classification: Pathogenic for Breast-ovarian cancer, familial, susceptibility to, 2. Last evaluated: 2025-09-08. Review status: criteria provided, single submitter. Criteria: DASA Assertion Criteria. Collection method: clinical testing. Allele origin: germline. Not counted in ClinVar's aggregate classification.
Comment: NM_000059.4(BRCA2):c.7177dup (p.Met2393Asnfs*19) is a frameshift variant in BRCA2 predicted to alter the reading frame and introduce a premature termination codon and is predicted to result in an absent or altered protein product. Loss of function is an established disease mechanism for BRCA2 (PMID: 16199546; PMID: 17063271; PMID: 25632310). The affected residue or protein region has prior evidence supporting clinical relevance. Also, this variant is rare in population databases. Based on the currently available evidence, this variant is classified as pathogenic.

Molecular Diagnostics Laboratory, Catalan Institute of Oncology
Classification: Pathogenic for Hereditary cancer-predisposing syndrome. Last evaluated: 2025-07-15. Review status: criteria provided, single submitter. Criteria: ClinGen BRCA1BRCA2 ACMG Specifications BRCA2 V1.0.0. Collection method: clinical testing. Allele origin: germline. Not counted in ClinVar's aggregate classification.
Comment: PVS1, PM5_Strong c.7177dup, located in exon 14 of the BRCA2 gene, consists in the duplication of 1 nucleotide, causing a translational frameshift with a predicted alternate stop codon p.(Met2393Asnfs*19). This alteration is expected to result in loss of function by premature protein truncation and nonsense-mediated mRNA decay (PVS1, PM5_PTC_Strong). It is not present in the population database gnomAD v2.1.1, non cancer dataset. No effect is predicted on splicing by SpliceAI. To our knowledge, no functional studies have been reported for this variant. It has been reported in the ClinVar database (6x pathogenic), in the LOVD database (4x pathogenic, 1x uncertain significance), and classified as pathogenic in BRCA Exchange database (�2016-10-18: Variant allele predicted to encode a truncated non-functional protein�). Based on currently available information, c.7177dup is classified as a pathogenic variant according to ClinGen-BRCA1 and BRCA2 Guidelines version 1.0.0.

Center for Genomic Medicine, Rigshospitalet, Copenhagen University Hospital
Classification: Pathogenic. Last evaluated: 2025-03-04. Review status: criteria provided, single submitter. Criteria: ACMG Guidelines, 2015. Collection method: clinical testing. Allele origin: germline. Not counted in ClinVar's aggregate classification.

Ambry Genetics
Classification: Pathogenic for Hereditary cancer-predisposing syndrome. Last evaluated: 2025-02-03. Review status: criteria provided, single submitter. Criteria: Ambry Variant Classification Scheme 2023. Collection method: clinical testing. Allele origin: germline. Not counted in ClinVar's aggregate classification.
Comment: The c.7177dupA pathogenic mutation, located in coding exon 13 of the BRCA2 gene, results from a duplication of A at nucleotide position 7177, causing a translational frameshift with a predicted alternate stop codon (p.M2393Nfs*19). This mutation (referred to as c.7171_7172insA) has previously been reported in an individual diagnosed with early onset breast cancer (de Juan Jim&eacute;nez I et al. Fam Cancer. 2013 Dec;12:767-77). This alteration was also identified in a large, worldwide study of BRCA1/2 mutation-positive families (Rebbeck TR et al. Hum Mutat. 2018 05;39:593-620). This variant is considered to be rare based on population cohorts in the Genome Aggregation Database (gnomAD). In addition to the clinical data presented in the literature, this alteration is expected to result in loss of function by premature protein truncation or nonsense-mediated mRNA decay. As such, this alteration is interpreted as a disease-causing mutation.

Labcorp Genetics (formerly Invitae), Labcorp
Classification: Pathogenic for Hereditary breast ovarian cancer syndrome. Last evaluated: 2024-02-02. Review status: criteria provided, single submitter. Criteria: Invitae Variant Classification Sherloc (09022015). Collection method: clinical testing. Allele origin: germline. Not counted in ClinVar's aggregate classification.
Comment: This sequence change creates a premature translational stop signal (p.Met2393Asnfs*19) in the BRCA2 gene. It is expected to result in an absent or disrupted protein product. Loss-of-function variants in BRCA2 are known to be pathogenic (PMID: 20104584). This variant is not present in population databases (gnomAD no frequency). This premature translational stop signal has been observed in individual(s) with breast cancer (PMID: 18528753, 23479189, 28724667, 30702160). This variant is also known as c.7172dupA, c.7171_7172insA, and c.7399insA. ClinVar contains an entry for this variant (Variation ID: 52278). For these reasons, this variant has been classified as Pathogenic.

Institute for Clinical Genetics, University Hospital TU Dresden, University Hospital TU Dresden
Classification: Pathogenic. Last evaluated: 2021-11-03. Review status: criteria provided, single submitter. Criteria: ACMG Guidelines, 2015. Collection method: clinical testing. Allele origin: germline. Not counted in ClinVar's aggregate classification.

Color Diagnostics, LLC DBA Color Health
Classification: Pathogenic for Hereditary cancer-predisposing syndrome. Last evaluated: 2020-05-18. Review status: criteria provided, single submitter. Criteria: ACMG Guidelines, 2015. Collection method: clinical testing. Allele origin: germline. Not counted in ClinVar's aggregate classification.
Comment: This variant inserts 1 nucleotide in exon 14 of the BRCA2 gene, creating a frameshift and premature translation stop signal. This variant is expected to result in an absent or non-functional protein product. To our knowledge, this variant has not been reported in individuals affected with hereditary cancer in the literature. This variant has not been identified in the general population by the Genome Aggregation Database (gnomAD). Loss of BRCA2 function is a known mechanism of disease. Based on the available evidence, this variant is classified as Pathogenic.

Consortium of Investigators of Modifiers of BRCA1/2 (CIMBA), c/o University of Cambridge
Classification: Pathogenic for Breast-ovarian cancer, familial, susceptibility to, 2. Last evaluated: 2015-10-02. Review status: criteria provided, single submitter. Criteria: CIMBA Mutation Classification guidelines May 2016. Collection method: clinical testing. Allele origin: germline. Not counted in ClinVar's aggregate classification.

Literature cited by the submitters: PubMed 16199546 (cited by Dasa); PubMed 17063271 (cited by Dasa); PubMed 25632310 (cited by Dasa); PubMed 23479189 (cited by Ambry Genetics and Labcorp Genetics (formerly Invitae), Labcorp); PubMed 29446198 (cited by Ambry Genetics); PubMed 20104584 (cited by Labcorp Genetics (formerly Invitae), Labcorp); PubMed 18528753 (cited by Labcorp Genetics (formerly Invitae), Labcorp); PubMed 28724667 (cited by Labcorp Genetics (formerly Invitae), Labcorp); PubMed 30702160 (cited by Labcorp Genetics (formerly Invitae), Labcorp).